The following is an entry in ClinVar:

NM_005859.5(PURA):c.922G>A (p.Ala308Thr)

Gene: PURA (purine rich element binding protein A; plus strand). Cytogenetic location: 5q31.3.
Variant type: single nucleotide variant.
Coding change: c.922G>A on transcript NM_005859.5 (MANE Select); coding-DNA position 922, G replaced by A.
Protein change: p.Ala308Thr; replaces alanine 308 with threonine.
Molecular consequence: missense variant.
Genome position (GRCh38, 1-based): chr5:140,115,103, G>A. VCF-style: chr5-140115103-G-A. GRCh37 (hg19) VCF-style: chr5-139494688-G-A.
Other names: short protein forms A308T.
Identifiers: ClinVar variation 657635 (VCV000657635.9), dbSNP rs1286829864, ClinGen allele CA361491867.
Genomic context (GRCh38, chr5:140,115,103, plus strand): 5'-AAGCGGGCTGCCTGTGAGCAGCTTCACCAGCAGCAACAGCAGCAGCAGGAGGAGACCGCC[G>A]CTGCCACCCTGCTACTGCAGGGTGAGGAAGAAGGGGAAGAAGATTGATCAAACTGAATGA-3'
Protein context (NP_005850.1, residues 298-318): QQQQQQEETA[Ala308Thr]ATLLLQGEEE

ClinVar aggregate classification (germline): Uncertain significance (1 of 4 stars; one submission).

Conditions:
PURA-related severe neonatal hypotonia-seizures-encephalopathy syndrome (NEDRIHF). Also called: PURA-Related Neurodevelopmental Disorders; NEURODEVELOPMENTAL DISORDER WITH NEONATAL RESPIRATORY INSUFFICIENCY, HYPOTONIA, AND FEEDING DIFFICULTIES. Identifiers: Orphanet 438213, Orphanet 438216, MedGen C4015357, MONDO:1060108, OMIM 616158, MONDO:0018580.

Allele frequency attached by ClinVar (database versions not stated): gnomAD exomes below 0.00001; TOPMed 0.00001.
gnomAD v4.1: 2 of 1,608,128 alleles (0.00012%); highest among the groups gnomAD compares: African/African-American, 0.0013%; no homozygotes.

Submission:

Labcorp Genetics (formerly Invitae), Labcorp
Classification: Uncertain significance for PURA-related severe neonatal hypotonia-seizures-encephalopathy syndrome. Last evaluated: 2023-05-16. Review status: criteria provided, single submitter. Criteria: Invitae Variant Classification Sherloc (09022015). Collection method: clinical testing. Allele origin: germline.
Comment: This sequence change replaces alanine, which is neutral and non-polar, with threonine, which is neutral and polar, at codon 308 of the PURA protein (p.Ala308Thr). In summary, the available evidence is currently insufficient to determine the role of this variant in disease. Therefore, it has been classified as a Variant of Uncertain Significance. Experimental studies and prediction algorithms are not available or were not evaluated, and the functional significance of this variant is currently unknown. ClinVar contains an entry for this variant (Variation ID: 657635). This variant has not been reported in the literature in individuals affected with PURA-related conditions. The frequency data for this variant in the population databases is considered unreliable, as metrics indicate poor data quality at this position in the gnomAD database.